The following is an entry in ClinVar:

ClinVar aggregate classification (germline): Uncertain significance (1 of 4 stars; one submission).

Conditions:
Nephronophthisis 15 (NPHP15). Identifiers: Orphanet 3156, MedGen C3541853, MONDO:0013917, OMIM 614845.

Submission:

Labcorp Genetics (formerly Invitae), Labcorp
Classification: Uncertain significance for Nephronophthisis 15. Last evaluated: 2022-09-10. Review status: criteria provided, single submitter. Criteria: Invitae Variant Classification Sherloc (09022015). Collection method: clinical testing. Allele origin: germline.
Comment: This variant has not been reported in the literature in individuals affected with CEP164-related conditions. This variant is not present in population databases (gnomAD no frequency). This sequence change replaces leucine, which is neutral and non-polar, with valine, which is neutral and non-polar, at codon 1447 of the CEP164 protein (p.Leu1447Val). Advanced modeling of protein sequence and biophysical properties (such as structural, functional, and spatial information, amino acid conservation, physicochemical variation, residue mobility, and thermodynamic stability) performed at Invitae indicates that this missense variant is expected to disrupt CEP164 protein function. In summary, the available evidence is currently insufficient to determine the role of this variant in disease. Therefore, it has been classified as a Variant of Uncertain Significance.

NM_014956.5(CEP164):c.4339C>G (p.Leu1447Val)

Gene: CEP164 (centrosomal protein 164; plus strand). Cytogenetic location: 11q23.3.
Variant type: single nucleotide variant.
Coding change: c.4339C>G on transcript NM_014956.5 (MANE Select); coding-DNA position 4339, C replaced by G.
Protein change: p.Leu1447Val; replaces leucine 1447 with valine.
Molecular consequence: missense variant.
Genome position (GRCh38, 1-based): chr11:117,412,124, C>G. VCF-style: chr11-117412124-C-G. GRCh37 (hg19) VCF-style: chr11-117282840-C-G.
Other names: c.4324C>G, p.Leu1442Val (NM_001271933.2); short protein forms L1442V, L1447V.
Identifiers: ClinVar variation 2047992 (VCV002047992.4), dbSNP rs2542893640, ClinGen allele CA382746492.